The following is an entry in ClinVar:

NM_001037131.3(AGAP1):c.169T>A (p.Phe57Ile)

Genes: AGAP1 (ArfGAP with GTPase domain, ankyrin repeat and PH domain 1; plus strand), LOC126806566 (P300/CBP strongly-dependent group 1 enhancer GRCh37_chr2:236617362-236618561; plus strand). Cytogenetic location: 2q37.2.
Variant type: single nucleotide variant.
Coding change: c.169T>A on transcript NM_001037131.3 (MANE Select); coding-DNA position 169, T replaced by A.
Protein change: p.Phe57Ile; replaces phenylalanine 57 with isoleucine.
Molecular consequence: missense variant.
Genome position (GRCh38, 1-based): chr2:235,709,184, T>A. VCF-style: chr2-235709184-T-A. GRCh37 (hg19) VCF-style: chr2-236617828-T-A.
Other names: c.169T>A, p.Phe57Ile (NM_001244888.2, NM_001412122.1, NM_014914.5); short protein forms F57I.
Identifiers: ClinVar variation 2843967 (VCV002843967.3), dbSNP rs2545686476, ClinGen allele CA351169499.

ClinVar aggregate classification (germline): Uncertain significance (1 of 4 stars; one submission).

Allele frequency attached by ClinVar (database versions not stated): gnomAD exomes below 0.00001.
gnomAD v4.1: 1 of 1,614,108 alleles (0.000062%); highest among the groups gnomAD compares: Non-Finnish European, 0.000085%; no homozygotes.

Submission:

Labcorp Genetics (formerly Invitae), Labcorp
Classification: Uncertain significance. Last evaluated: 2023-06-12. Review status: criteria provided, single submitter. Criteria: Invitae Variant Classification Sherloc (09022015). Collection method: clinical testing. Allele origin: germline.
Comment: This variant is not present in population databases (gnomAD no frequency). In summary, the available evidence is currently insufficient to determine the role of this variant in disease. Therefore, it has been classified as a Variant of Uncertain Significance. An algorithm developed to predict the effect of missense changes on protein structure and function (PolyPhen-2) suggests that this variant is likely to be disruptive. This variant has not been reported in the literature in individuals affected with AGAP1-related conditions. This sequence change replaces phenylalanine, which is neutral and non-polar, with isoleucine, which is neutral and non-polar, at codon 57 of the AGAP1 protein (p.Phe57Ile).